The following is an entry in ClinVar:

NM_003361.4(UMOD):c.1588_1589del (p.His529_Thr530insTer)

Gene: UMOD (uromodulin; minus strand). Cytogenetic location: 16p12.3.
Variant type: Microsatellite.
Coding change: c.1588_1589del on transcript NM_003361.4 (MANE Select); coding-DNA positions 1588 to 1589, 2 bases deleted (AC; older notation c.1588_1589delAC).
Protein change: p.His529_Thr530insTer.
Molecular consequence: nonsense. On other transcripts: non-coding transcript variant (1).
Genome position (GRCh38, 1-based): chr16:20,337,442-20,337,443, GT deleted on the plus strand (AC on the coding strand, the reverse complement: UMOD is on the minus strand); deleting any 2 consecutive bases within chr16:20,337,442-20,337,448 gives the same sequence; the c. name uses the placement nearest the transcript's 3' end. VCF-style (leftmost placement, unchanged base first): chr16-20337441-AGT-A. GRCh37 (hg19) VCF-style: chr16-20348763-AGT-A.
Other names: c.1588_1589del, p.His529_Thr530insTer (NM_001008389.3, NM_001378232.1, NM_001378233.1); c.1687_1688del, p.His562_Thr563insTer (NM_001278614.2); c.1729_1730del, p.His576_Thr577insTer (NM_001378234.1, NM_001378235.1).
Identifiers: ClinVar variation 598312 (VCV000598312.7), dbSNP rs1029064502, ClinGen allele CA279289089.
Genomic context (GRCh38, chr16:20,337,441, plus strand): 5'-GACGGAAAATCGGCCCTGGGAGGACTCCCCATTCTCCACCACTTGGATAGTTGAGTCTCT[AGT>A]GTGTGGGCATCTGGGAGGGTTACACATCATTTAATGTGGTTGGTTAAATAAAGATTCTGG-3'

ClinVar aggregate classification (germline): Uncertain significance. Review status: criteria provided, multiple submitters, no conflicts (2 of 4 stars). 2 submissions from 2 submitters: Uncertain significance (2). Last evaluated 2024-09-17.

Submissions (2):

Labcorp Genetics (formerly Invitae), Labcorp
Classification: Uncertain significance. Last evaluated: 2024-09-17. Review status: criteria provided, single submitter. Criteria: Invitae Variant Classification Sherloc (09022015). Collection method: clinical testing. Allele origin: germline.
Comment: This sequence change creates a premature translational stop signal (p.Thr530*) in the UMOD gene. It is expected to result in an absent or disrupted protein product. However, the current clinical and genetic evidence is not sufficient to establish whether loss-of-function variants in UMOD cause disease. This variant is present in population databases (no rsID available, gnomAD 0.006%). This variant has not been reported in the literature in individuals affected with UMOD-related conditions. In summary, the available evidence is currently insufficient to determine the role of this variant in disease. Therefore, it has been classified as a Variant of Uncertain Significance.

Eurofins Ntd Llc (ga)
Classification: Uncertain significance. Last evaluated: 2018-08-20. Review status: criteria provided, single submitter. Criteria: EGL ClinVar v180209 classification definitions. Collection method: clinical testing. Allele origin: germline. Observed: 1 variant allele, 1 heterozygote.